The following is an entry in ClinVar:

ClinVar aggregate classification (germline): Likely pathogenic (1 of 4 stars; one submission).

Conditions:
Primary ciliary dyskinesia. Also called: Ciliary dyskinesia. Identifiers: Orphanet 244, MedGen C0008780, MONDO:0016575, HP:0012265.

Allele frequency attached by ClinVar (database versions not stated): gnomAD exomes below 0.00001 and 0.00001; TOPMed 0.00001; gnomAD 0.00001.
gnomAD v4.1: 6 of 1,517,738 alleles (0.0004%); highest among the groups gnomAD compares: African/African-American, 0.0027%; no homozygotes.

Submission:

Labcorp Genetics (formerly Invitae), Labcorp
Classification: Likely pathogenic for Primary ciliary dyskinesia. Last evaluated: 2022-12-24. Review status: criteria provided, single submitter. Criteria: Invitae Variant Classification Sherloc (09022015). Collection method: clinical testing. Allele origin: germline.
Comment: This sequence change affects a donor splice site in intron 63 of the DNAH11 gene. It is expected to disrupt RNA splicing. Variants that disrupt the donor or acceptor splice site typically lead to a loss of protein function (PMID: 16199547), and loss-of-function variants in DNAH11 are known to be pathogenic (PMID: 18022865, 20513915, 22184204). In summary, the currently available evidence indicates that the variant is pathogenic, but additional data are needed to prove that conclusively. Therefore, this variant has been classified as Likely Pathogenic. Algorithms developed to predict the effect of sequence changes on RNA splicing suggest that this variant may disrupt the consensus splice site. ClinVar contains an entry for this variant (Variation ID: 454629). This variant has not been reported in the literature in individuals affected with DNAH11-related conditions. The frequency data for this variant in the population databases is considered unreliable, as metrics indicate poor data quality at this position in the gnomAD database.

Literature cited by the submitters: PubMed 16199547; PubMed 18022865; PubMed 20513915; PubMed 22184204.

NM_001277115.2(DNAH11):c.10332+2T>C

Gene: DNAH11 (dynein axonemal heavy chain 11; plus strand). Cytogenetic location: 7p15.3.
Variant type: single nucleotide variant.
Coding change: c.10332+2T>C on transcript NM_001277115.2 (MANE Select); the canonical splice donor site of the intron after coding-DNA position 10332, T replaced by C.
Molecular consequence: splice donor variant.
Genome position (GRCh38, 1-based): chr7:21,808,051, T>C. VCF-style: chr7-21808051-T-C. GRCh37 (hg19) VCF-style: chr7-21847669-T-C.
Identifiers: ClinVar variation 454629 (VCV000454629.15), dbSNP rs972753865, ClinGen allele CA155116012.